The following is an entry in ClinVar:

NM_001243133.2(NLRP3):c.723G>A (p.Trp241Ter)

Gene: NLRP3 (NLR family pyrin domain containing 3; plus strand). Cytogenetic location: 1q44.
Variant type: single nucleotide variant.
Coding change: c.723G>A on transcript NM_001243133.2 (MANE Select); coding-DNA position 723, G replaced by A.
Protein change: p.Trp241Ter; replaces tryptophan 241 with a stop codon.
Molecular consequence: nonsense.
Genome position (GRCh38, 1-based): chr1:247,424,172, G>A. VCF-style: chr1-247424172-G-A. GRCh37 (hg19) VCF-style: chr1-247587474-G-A.
Other names: c.723G>A, p.Trp241Ter (NM_001079821.3, NM_001127461.3, NM_001127462.3 and 1 more transcripts); c.729G>A, p.Trp243Ter (NM_004895.5); short protein forms W241*, W243*.
Identifiers: ClinVar variation 3338705 (VCV003338705.1).

ClinVar aggregate classification (germline): Uncertain significance (1 of 4 stars; one submission).

Submission:

GeneDx
Classification: Uncertain significance. Last evaluated: 2023-07-25. Review status: criteria provided, single submitter. Criteria: GeneDx Variant Classification Process June 2021. Collection method: clinical testing. Allele origin: germline. Affected: yes.
Comment: Not observed at significant frequency in large population cohorts (gnomAD); Has not been previously published as pathogenic or benign to our knowledge; Nonsense variant predicted to result in protein truncation or nonsense mediated decay in a gene for which loss-of-function is not an established mechanism of disease; Also known as p.(W241*)